The following is an entry in ClinVar:

ClinVar aggregate classification (germline): Benign (1 of 4 stars; one submission).

Allele frequency attached by ClinVar (database versions not stated): 1000 Genomes Project 0.02017; 1000 Genomes Project 30x 0.02030; TOPMed 0.03805; gnomAD 0.04241 and 0.04314.
gnomAD v4.1: 6,451 of 152,314 alleles (4.2%); highest among the groups gnomAD compares: Non-Finnish European, 6.3%; 172 homozygotes.

Submission:

GeneDx
Classification: Benign. Last evaluated: 2018-06-14. Review status: criteria provided, single submitter. Criteria: GeneDx Variant Classification (06012015). Collection method: clinical testing. Allele origin: germline. Affected: yes.
Comment: This variant is considered likely benign or benign based on one or more of the following criteria: it is a conservative change, it occurs at a poorly conserved position in the protein, it is predicted to be benign by multiple in silico algorithms, and/or has population frequency not consistent with disease.

NM_000093.5(COL5A1):c.2701-301G>A

Gene: COL5A1 (collagen type V alpha 1 chain; plus strand). Cytogenetic location: 9q34.3.
Variant type: single nucleotide variant.
Coding change: c.2701-301G>A on transcript NM_000093.5 (MANE Select); 301 bases into the intron before coding-DNA position 2701, G replaced by A.
Molecular consequence: intron variant.
Genome position (GRCh38, 1-based): chr9:134,794,781, G>A. VCF-style: chr9-134794781-G-A. GRCh37 (hg19) VCF-style: chr9-137686627-G-A.
Other names: c.2701-301G>A (NM_001278074.1).
Identifiers: ClinVar variation 669634 (VCV000669634.1), dbSNP rs75633644, ClinGen allele CA201108526.